The following is an entry in ClinVar:

ClinVar aggregate classification (germline): Uncertain significance (1 of 4 stars; one submission).

Conditions:
Charcot-Marie-Tooth disease dominant intermediate B (CMTDIB). Also called: CHARCOT-MARIE-TOOTH NEUROPATHY, DOMINANT INTERMEDIATE B; Charcot-Marie-Tooth disease dominant intermediate 1; CMT DI1; Charcot-Marie-Tooth disease dominant intermediate I. Identifiers: Orphanet 100044, Orphanet 228179, MedGen C1847902, MONDO:0011674, OMIM 606482.

Submission:

Labcorp Genetics (formerly Invitae), Labcorp
Classification: Uncertain significance for Charcot-Marie-Tooth disease dominant intermediate B. Last evaluated: 2025-02-04. Review status: criteria provided, single submitter. Criteria: Invitae Variant Classification Sherloc (09022015). Collection method: clinical testing. Allele origin: germline.
Comment: This sequence change replaces leucine, which is neutral and non-polar, with valine, which is neutral and non-polar, at codon 48 of the DNM2 protein (p.Leu48Val). This variant is not present in population databases (gnomAD no frequency). This variant has not been reported in the literature in individuals affected with DNM2-related conditions. Invitae Evidence Modeling of protein sequence and biophysical properties (such as structural, functional, and spatial information, amino acid conservation, physicochemical variation, residue mobility, and thermodynamic stability) indicates that this missense variant is expected to disrupt DNM2 protein function with a positive predictive value of 80%. In summary, the available evidence is currently insufficient to determine the role of this variant in disease. Therefore, it has been classified as a Variant of Uncertain Significance.

NM_001005361.3(DNM2):c.142C>G (p.Leu48Val)

Genes: DNM2 (dynamin 2; plus strand), LOC130063529 (ATAC-STARR-seq lymphoblastoid silent region 10090; plus strand). Cytogenetic location: 19p13.2.
Variant type: single nucleotide variant.
Coding change: c.142C>G on transcript NM_001005361.3 (MANE Select); coding-DNA position 142, C replaced by G.
Protein change: p.Leu48Val; replaces leucine 48 with valine.
Molecular consequence: missense variant.
Genome position (GRCh38, 1-based): chr19:10,718,384, C>G. VCF-style: chr19-10718384-C-G. GRCh37 (hg19) VCF-style: chr19-10829060-C-G.
Other names: c.142C>G, p.Leu48Val (NM_001005360.3, NM_001005362.3, NM_001190716.2 and 1 more transcripts); short protein forms L48V.
Identifiers: ClinVar variation 4775644 (VCV004775644.1).
Genomic context (GRCh38, chr19:10,718,384, plus strand): 5'-CACCTGGACCTGCCGCAGATCGCTGTAGTGGGCGGCCAGAGCGCCGGCAAGAGCTCGGTG[C>G]TGGAGAACTTCGTGGGCCGGTGAGCGGGCGCGGCAGGGATCGCGGGCGGGTGGCGGCCTA-3'
Protein context (NP_001005361.1, residues 38-58): GGQSAGKSSV[Leu48Val]ENFVGRDFLP